The following is an entry in ClinVar:

NM_014844.5(TECPR2):c.3416del (p.Leu1139fs)

Gene: TECPR2 (tectonin beta-propeller repeat containing 2; plus strand). Cytogenetic location: 14q32.31.
Variant type: Deletion.
Coding change: c.3416del on transcript NM_014844.5 (MANE Select); coding-DNA position 3416, one base deleted (T; older notation c.3416delT).
Protein change: p.Leu1139fs; shifts the reading frame from leucine 1139.
Molecular consequence: frameshift variant.
Genome position (GRCh38, 1-based): chr14:102,452,403, T deleted. VCF-style (leftmost placement, unchanged base first): chr14-102452402-CT-C. GRCh37 (hg19) VCF-style: chr14-102918739-CT-C.
Other names: c.3416delT (NM_014844.3, NM_014844.5, NM_014844.4); c.3416del, p.Leu1139fs (NM_001172631.3); short protein forms L1139fs.
Identifiers: ClinVar variation 39675 (VCV000039675.21), dbSNP rs751970061, ClinGen allele CA7358240.

ClinVar aggregate classification (germline): Pathogenic. Review status: criteria provided, multiple submitters, no conflicts (2 of 4 stars). 7 submissions from 7 submitters: Pathogenic (5). 2 of the submissions do not count toward it. Last evaluated 2025-07-23.

Conditions:
Hereditary spastic paraplegia 49 (HSAN9). Also called: TECPR2-Related Hereditary Sensory and Autonomic Neuropathy with Intellectual Disability; NEUROPATHY, HEREDITARY SENSORY AND AUTONOMIC, TYPE IX, WITH DEVELOPMENTAL DELAY; Spastic paraplegia 49, autosomal recessive. Identifiers: Orphanet 320385, MedGen C5190860, MONDO:0014016, OMIM 615031.

Allele frequency attached by ClinVar (database versions not stated): ExAC 0.00001; gnomAD exomes 0.00001.

Submissions (7):

Natera, Inc.
Classification: Pathogenic for Autosomal recessive spastic paraplegia type 49. Last evaluated: 2025-07-23. Review status: criteria provided, single submitter. Criteria: Natera Variant Classification Schema (03/2026). Collection method: clinical testing. Allele origin: germline.
Comment: The c.3416delT variant in TECPR2 is a frameshift variant predicted to shift the reading frame beginning at codon 1139 and leads to a stop codon 75 codons downstream. This variant is expected to result in nonsense mediated decay, truncation, or a dysfunctional protein product. This variant is rare in the general population with a frequency below the threshold expected for the associated phenotype(s). This variant has been observed in one or more individuals affected with the associated recessive disease, as either homozygous or compound heterozygous with a second variant (PMID: 23176824). Additionally, this variant has been observed to segregate in affected family members (PMID: 23176824). Given the available evidence, this variant is classified as Pathogenic.

Fulgent Genetics
Classification: Pathogenic for Hereditary spastic paraplegia 49. Last evaluated: 2024-02-05. Review status: criteria provided, single submitter. Criteria: ACMG Guidelines, 2015. Collection method: clinical testing. Allele origin: germline.

Labcorp Genetics (formerly Invitae), Labcorp
Classification: Pathogenic for Hereditary spastic paraplegia 49. Last evaluated: 2023-12-19. Review status: criteria provided, single submitter. Criteria: Invitae Variant Classification Sherloc (09022015). Collection method: clinical testing. Allele origin: germline.
Comment: This sequence change creates a premature translational stop signal (p.Leu1139Argfs*75) in the TECPR2 gene. It is expected to result in an absent or disrupted protein product. Loss-of-function variants in TECPR2 are known to be pathogenic (PMID: 23176824, 25590979). This variant is present in population databases (rs751970061, gnomAD 0.01%). This premature translational stop signal has been observed in individual(s) with complicated hereditary spastic paraplegia in Jewish Bukharian families or autonomic neuropathy with intellectual disability (PMID: 23176824, 26542466). In at least one individual the data is consistent with being in trans (on the opposite chromosome) from a pathogenic variant. It has also been observed to segregate with disease in related individuals. ClinVar contains an entry for this variant (Variation ID: 39675). For these reasons, this variant has been classified as Pathogenic.

GeneDx
Classification: Pathogenic. Last evaluated: 2022-09-01. Review status: criteria provided, single submitter. Criteria: GeneDx Variant Classification Process June 2021. Collection method: clinical testing. Allele origin: germline. Affected: yes.
Comment: Frameshift variant predicted to result in protein truncation or nonsense mediated decay in a gene for which loss of function is a known mechanism of disease; Not observed at significant frequency in large population cohorts (gnomAD); This variant is associated with the following publications: (PMID: 23176824, 32209221, 23439247, 33218264, 33847017, 26542466)

Institute of Human Genetics, University of Leipzig Medical Center
Classification: Pathogenic for Hereditary spastic paraplegia 49. Last evaluated: 2020-07-11. Review status: criteria provided, single submitter. Criteria: ACMG Guidelines, 2015. Collection method: curation. Allele origin: inherited. Inheritance: Autosomal recessive inheritance. Affected: yes. Observed: 6 variant alleles, 1 compound heterozygote, 5 homozygotes.
Comment: This variant has been reported in homozygous state in five individuals of three families from Jewish Bukharian descent (PMID: 23176824). All affected individuals displayed developmental delay, muscular hypotonia and symptoms of autonomic neuropathy. This frameshift variant c.3416del, p.(Leu1139Argfs*75) in exon 16/20 of TECPR2 has a minor allel frequency in the general population of 0.000008082 (gnomAD). The variant is already reported in ClinVar as pathogenic/likely pathogenic (ID: 39675). Biallelic truncating or missense variants have been described to cause "Spastic paraplegia 49, autosomal recessive" (Oz-Levi et al. Am J Hum Genet. 2012, PMID: 23176824). Taken together, we classify this variant as pathogenic based on the ACMG recommendations (Richards et al., 2015, PMID 25741868; criteria: PVS1 PS4_MOD PM2).

Counsyl
Classification: Likely pathogenic for Hereditary spastic paraplegia 49. Last evaluated: 2018-05-03. Review status: no assertion criteria provided. Collection method: clinical testing. Allele origin: unknown. Not counted in ClinVar's aggregate classification.

OMIM
Classification: Pathogenic for NEUROPATHY, HEREDITARY SENSORY AND AUTONOMIC, TYPE IX, WITH DEVELOPMENTAL DELAY. Last evaluated: 2012-12-07. Review status: no assertion criteria provided. Collection method: literature only. Allele origin: germline. Not counted in ClinVar's aggregate classification.

Literature cited by the submitters: PubMed 23176824 (cited by 4 submitters); PubMed 25590979 (cited by Labcorp Genetics (formerly Invitae), Labcorp); PubMed 26542466 (cited by 3 submitters); PubMed 26431026 (cited by Counsyl); PubMed 33847017 (cited by OMIM).